The following is an entry in ClinVar:

ClinVar aggregate classification (germline): Conflicting classifications of pathogenicity. Review status: criteria provided, conflicting classifications (1 of 4 stars). 14 submissions from 11 submitters: Uncertain significance (7); Benign (2); Likely benign (3). 2 of the submissions do not count toward it. Last evaluated 2026-04-16.

Conditions:
Severe combined immunodeficiency, autosomal recessive, T cell-negative, B cell-negative, NK cell-positive. Also called: SCID, AR, T-cell negative, B-cell negative, NK cell-positive; Severe combined immunodeficiency due to complete RAG1/2 deficiency; SCID, T CELL-NEGATIVE, B CELL-NEGATIVE, NK CELL-POSITIVE. Identifiers: Orphanet 331206, MedGen C1832322, MONDO:0011086, OMIM 601457.
Combined immunodeficiency with skin granulomas. Identifiers: Orphanet 157949, MedGen C2673536, MONDO:0009306, OMIM 233650.
RAG2-related disorder. Also called: RAG2-related condition.
Recombinase activating gene 2 deficiency. Also called: RAG2 deficiency. Identifiers: MedGen CN257931, MONDO:0000573.
Inborn error of immunity. Also called: Inborn errors of immunity; Primary immunodeficiency. Identifiers: Orphanet 101997, MedGen C0398686, MONDO:0003778.
Histiocytic medullary reticulosis. Also called: Omenn syndrome; SEVERE COMBINED IMMUNODEFICIENCY WITH HYPEREOSINOPHILIA. Identifiers: Orphanet 39041, MedGen C2700553, MONDO:0011338, OMIM 603554.

Allele frequency attached by ClinVar (database versions not stated): TOPMed 0.00096; 1000 Genomes Project 30x 0.00125; ESP Exome Variant Server 0.00131; 1000 Genomes Project 0.00140; gnomAD 0.00149 and 0.00150; gnomAD exomes 0.00191 and 0.00197; ExAC 0.00217.

Submissions (14):

Women's Health and Genetics/Laboratory Corporation of America, LabCorp
Classification: Likely benign. Last evaluated: 2026-04-16. Review status: criteria provided, single submitter. Criteria: LabCorp Variant Classification Summary - May 2015. Collection method: clinical testing. Allele origin: germline.
Comment: Variant summary: RAG2 c.1504A>G (p.Met502Val) results in a conservative amino acid change in the encoded protein sequence. Algorithms developed to predict the effect of missense changes on protein structure and function are either unavailable or do not agree on the potential impact of this missense change. The variant allele was found at a frequency of 0.0019 in 251354 control chromosomes in the gnomAD database, including 3 homozygotes. The observed variant frequency exceeds the estimated maximal expected allele frequency for disease-causing variants in RAG2. c.1504A>G has been reported in the literature in individuals affected with Severe Combined Immunodeficiency Syndrome/Omenn Syndrome or inborn errors of immunity (e.g. Sobacchi_2006, Sheehan_2009, Walter_2015, Similuk_2023). In at least three of these individuals, co-occurrence of the variant with RAG1 pathogenic variant(s) was reported (Sheehan_2009, Walter_2015, Similuk_2023), providing supporting evidence for a benign role. Experimental evidence evaluating an impact on protein function demonstrated the variant to have wild-type levels of recombination activity (Tirosh_2019, Haque_2023). ClinVar contains an entry for this variant (Variation ID: 440231). Based on the evidence outlined above, the variant was classified as likely benign.

CeGaT Center for Human Genetics Tuebingen
Classification: Likely benign. Last evaluated: 2026-02-01. Review status: criteria provided, single submitter. Criteria: CeGaT Center For Human Genetics Tuebingen Variant Classification Criteria Version 2. Collection method: clinical testing. Allele origin: germline. Affected: yes. Observed: 1 variant allele.
Comment: RAG2: BS2

Labcorp Genetics (formerly Invitae), Labcorp
Classification: Likely benign for Combined immunodeficiency with skin granulomas; Severe combined immunodeficiency, autosomal recessive, T cell-negative, B cell-negative, NK cell-positive. Last evaluated: 2026-02-01. Review status: criteria provided, single submitter. Criteria: Invitae Variant Classification Sherloc (09022015). Collection method: clinical testing. Allele origin: germline.

Department of Pathology and Laboratory Medicine, Sinai Health System
Classification: Uncertain significance for Combined immunodeficiency with skin granulomas; Severe combined immunodeficiency, autosomal recessive, T cell-negative, B cell-negative, NK cell-positive; Histiocytic medullary reticulosis. Last evaluated: 2021-07-30. Review status: criteria provided, single submitter. Criteria: ACMG Guidelines, 2015. Collection method: research. Allele origin: germline.

Genome-Nilou Lab
Classification: Uncertain significance for Histiocytic medullary reticulosis. Last evaluated: 2021-07-22. Review status: criteria provided, single submitter. Criteria: ACMG Guidelines, 2015. Collection method: clinical testing. Allele origin: germline. Affected: no.

Genome-Nilou Lab
Classification: Uncertain significance for Combined immunodeficiency with skin granulomas. Last evaluated: 2021-07-22. Review status: criteria provided, single submitter. Criteria: ACMG Guidelines, 2015. Collection method: clinical testing. Allele origin: germline. Affected: no.

Genome-Nilou Lab
Classification: Uncertain significance for Severe combined immunodeficiency, autosomal recessive, T cell-negative, B cell-negative, NK cell-positive. Last evaluated: 2021-05-18. Review status: criteria provided, single submitter. Criteria: ACMG Guidelines, 2015. Collection method: clinical testing. Allele origin: germline. Affected: no.

ARUP Laboratories, Molecular Genetics and Genomics, ARUP Laboratories
Classification: Uncertain significance. Last evaluated: 2020-05-15. Review status: criteria provided, single submitter. Criteria: ARUP Molecular Germline Variant Investigation Process. Collection method: clinical testing. Allele origin: germline.

GeneDx
Classification: Benign. Last evaluated: 2019-01-16. Review status: criteria provided, single submitter. Criteria: GeneDx Variant Classification Process June 2021. Collection method: clinical testing. Allele origin: germline. Affected: yes.
Comment: This variant is associated with the following publications: (PMID: 17572155, 19178939, 26457731, 29772310, 16960852)

Pediatric Immunology Service, The Chaim Sheba Medical Center at Tel HaShomer
Classification: Benign for RAG2 deficiency; Primary immunodeficiency; Omenn syndrome. Last evaluated: 2018-03-06. Review status: criteria provided, single submitter. Criteria: ACMG Guidelines, 2015. Collection method: research. Allele origin: germline. Affected: no.

Illumina Laboratory Services, Illumina
Classification: Uncertain significance for Histiocytic medullary reticulosis. Last evaluated: 2017-04-27. Review status: criteria provided, single submitter. Criteria: ICSL Variant Classification Criteria 13 December 2019. Collection method: clinical testing. Allele origin: germline.

Illumina Laboratory Services, Illumina
Classification: Uncertain significance for Severe combined immunodeficiency, autosomal recessive, T cell-negative, B cell-negative, NK cell-positive. Last evaluated: 2017-04-27. Review status: criteria provided, single submitter. Criteria: ICSL Variant Classification Criteria 13 December 2019. Collection method: clinical testing. Allele origin: germline.

PreventionGenetics, part of Exact Sciences
Classification: Likely benign for RAG2-related condition. Last evaluated: 2020-05-29. Review status: no assertion criteria provided. Collection method: clinical testing. Allele origin: germline. Not counted in ClinVar's aggregate classification.
Comment: This variant is classified as likely benign based on ACMG/AMP sequence variant interpretation guidelines (Richards et al. 2015 PMID: 25741868, with internal and published modifications).

Counsyl
Classification: Uncertain significance for Severe combined immunodeficiency, autosomal recessive, T cell-negative, B cell-negative, NK cell-positive; Histiocytic medullary reticulosis; Combined immunodeficiency with skin granulomas. Last evaluated: 2017-09-12. Review status: no assertion criteria provided. Collection method: clinical testing. Allele origin: unknown. Not counted in ClinVar's aggregate classification.

Literature cited by the submitters: PubMed 16960852 (cited by Women's Health and Genetics/Laboratory Corporation of America, LabCorp and Pediatric Immunology Service, The Chaim Sheba Medical Center at Tel HaShomer); PubMed 19178939 (cited by Women's Health and Genetics/Laboratory Corporation of America, LabCorp and Counsyl); PubMed 29772310 (cited by Women's Health and Genetics/Laboratory Corporation of America, LabCorp); PubMed 26457731 (cited by Women's Health and Genetics/Laboratory Corporation of America, LabCorp and Counsyl); PubMed 35753512 (cited by Women's Health and Genetics/Laboratory Corporation of America, LabCorp); PubMed 37854700 (cited by Women's Health and Genetics/Laboratory Corporation of America, LabCorp); PubMed 17572155 (cited by Counsyl).

NM_000536.4(RAG2):c.1504A>G (p.Met502Val)

Gene: RAG2 (recombination activating 2; minus strand). Cytogenetic location: 11p12.
Variant type: single nucleotide variant.
Coding change: c.1504A>G on transcript NM_000536.4 (MANE Select); coding-DNA position 1504, A replaced by G.
Protein change: p.Met502Val; replaces methionine 502 with valine.
Molecular consequence: missense variant.
Genome position (GRCh38, 1-based): chr11:36,592,665, T>C on the plus strand (A>G on the coding strand, the complement: RAG2 is on the minus strand). VCF-style: chr11-36592665-T-C. GRCh37 (hg19) VCF-style: chr11-36614215-T-C.
Other names: c.1504A>G, p.Met502Val (NM_001243785.2, NM_001243786.2); short protein forms M502V.
Identifiers: ClinVar variation 440231 (VCV000440231.40), dbSNP rs145614809, ClinGen allele CA5950404.